The following is an entry in ClinVar:

NM_015443.4(KANSL1):c.74C>T (p.Pro25Leu)

Gene: KANSL1 (KAT8 regulatory NSL complex subunit 1). Cytogenetic location: 17q21.31.
Variant type: single nucleotide variant.
Coding change: c.74C>T on transcript NM_015443.4 (MANE Select); coding-DNA position 74, C replaced by T.
Protein change: p.Pro25Leu; replaces proline 25 with leucine.
Molecular consequence: missense variant. On other transcripts: intron variant (4).
Genome position (GRCh38, 1-based): chr17:46,172,070, G>A on the plus strand (C>T on the coding strand, the complement: KANSL1 is on the minus strand). VCF-style: chr17-46172070-G-A. GRCh37 (hg19) VCF-style: chr17-44249436-G-A.
Other names: c.74C>T, p.Pro25Leu (NM_001193465.2, NM_001193466.2, NM_001379198.1 and 18 more transcripts); c.23+51601C>T (NM_001405885.1, NM_001405884.1, NM_001405883.1 and 1 more transcripts); short protein forms P25L.
Identifiers: ClinVar variation 2577720 (VCV002577720.1), dbSNP rs2545095977, ClinGen allele CA399983033.

ClinVar aggregate classification (germline): Uncertain significance (1 of 4 stars; one submission).

Allele frequency attached by ClinVar (database versions not stated): gnomAD exomes below 0.00001.
gnomAD v4.1: 1 of 1,613,836 alleles (0.000062%); highest among the groups gnomAD compares: Non-Finnish European, 0.000085%; no homozygotes.

Submission:

GeneDx
Classification: Uncertain significance. Last evaluated: 2023-02-24. Review status: criteria provided, single submitter. Criteria: GeneDx Variant Classification Process June 2021. Collection method: clinical testing. Allele origin: germline. Affected: yes.
Comment: Not observed at significant frequency in large population cohorts (gnomAD); In silico analysis supports that this missense variant has a deleterious effect on protein structure/function; Has not been previously published as pathogenic or benign to our knowledge